The following is an entry in ClinVar:

ClinVar aggregate classification (germline): Uncertain significance (1 of 4 stars; one submission).

Conditions:
Dilated Cardiomyopathy, Recessive.

Allele frequency attached by ClinVar (database versions not stated): gnomAD exomes below 0.00001; gnomAD 0.00001; TOPMed 0.00001.
gnomAD v4.1: 2 of 1,578,292 alleles (0.00013%); highest among the groups gnomAD compares: Admixed American, 0.0018%; no homozygotes.

Submission:

Labcorp Genetics (formerly Invitae), Labcorp
Classification: Uncertain significance. Last evaluated: 2024-08-14. Review status: criteria provided, single submitter. Criteria: Invitae Variant Classification Sherloc (09022015). Collection method: clinical testing. Allele origin: germline.
Comment: This sequence change replaces alanine, which is neutral and non-polar, with aspartic acid, which is acidic and polar, at codon 300 of the PLEKHM2 protein (p.Ala300Asp). This variant is not present in population databases (gnomAD no frequency). This variant has not been reported in the literature in individuals affected with PLEKHM2-related conditions. ClinVar contains an entry for this variant (Variation ID: 2038572). An algorithm developed to predict the effect of missense changes on protein structure and function (PolyPhen-2) suggests that this variant¬†is likely to be tolerated. In summary, the available evidence is currently insufficient to determine the role of this variant in disease. Therefore, it has been classified as a Variant of Uncertain Significance.

NM_015164.4(PLEKHM2):c.899C>A (p.Ala300Asp)

Gene: PLEKHM2 (pleckstrin homology and RUN domain containing M2; plus strand). Cytogenetic location: 1p36.21.
Variant type: single nucleotide variant.
Coding change: c.899C>A on transcript NM_015164.4 (MANE Select); coding-DNA position 899, C replaced by A.
Protein change: p.Ala300Asp; replaces alanine 300 with aspartic acid.
Molecular consequence: missense variant.
Genome position (GRCh38, 1-based): chr1:15,725,503, C>A. VCF-style: chr1-15725503-C-A. GRCh37 (hg19) VCF-style: chr1-16051998-C-A.
Other names: c.839C>A, p.Ala280Asp (NM_001410755.1); short protein forms A300D, A280D.
Identifiers: ClinVar variation 2038572 (VCV002038572.3), dbSNP rs923886520, ClinGen allele CA18297406.